The following is an entry in ClinVar:

ClinVar aggregate classification (germline): Uncertain significance. Review status: criteria provided, multiple submitters, no conflicts (2 of 4 stars). 2 submissions from 2 submitters: Uncertain significance (2). Last evaluated 2023-08-25.

Conditions:
Familial type 3 hyperlipoproteinemia. Also called: Apolipoprotein e, deficiency or defect of; Dysbetalipoproteinemia due to defect in apolipoprotein e-d; Familial hyperbeta- and prebetalipoproteinemia; Familial hypercholesterolemia with hyperlipemia; Floating-betalipoproteinemia; Hyperlipemia with familial hypercholesterolemic xanthomatosis. Identifiers: Orphanet 412, MedGen C0020479, MONDO:0018473, OMIM 617347.

Allele frequency attached by ClinVar (database versions not stated): gnomAD exomes below 0.00001; ExAC 0.00001.

Submissions (2):

Clinical Genetics Laboratory, Skane University Hospital Lund
Classification: Uncertain significance. Last evaluated: 2023-08-25. Review status: criteria provided, single submitter. Criteria: ACMG Guidelines, 2015. Collection method: clinical testing. Allele origin: germline. Affected: yes.

MVZ Medizinische Genetik Mainz
Classification: Uncertain significance for Familial type 3 hyperlipoproteinemia. Last evaluated: 2023-05-02. Review status: criteria provided, single submitter. Criteria: UK Practice Guidelines For Variant Classification V4 01 2020. Collection method: clinical testing. Allele origin: germline. Inheritance: Autosomal recessive inheritance. Affected: yes. Observed: 1 variant allele.
Comment: ACMG Criteria: PVS1_STR,PM2_SUP

NM_000041.4(APOE):c.327dup (p.Arg110fs)

Gene: APOE (apolipoprotein E; plus strand). Cytogenetic location: 19q13.32.
Variant type: Duplication.
Coding change: c.327dup on transcript NM_000041.4 (MANE Select); coding-DNA position 327, one base duplicated (A; older notation c.327dupA).
Protein change: p.Arg110fs; shifts the reading frame from arginine 110.
Molecular consequence: frameshift variant.
Genome position (GRCh38, 1-based): chr19:44,908,623, A duplicated. VCF-style (leftmost placement, unchanged base first): chr19-44908622-C-CA. GRCh37 (hg19) VCF-style: chr19-45411879-C-CA.
Other names: c.405dup, p.Arg136fs (NM_001302688.2); c.327dup, p.Arg110fs (NM_001302689.2, NM_001302690.2, NM_001302691.2); short protein forms R110fs, R136fs.
Identifiers: ClinVar variation 3066201 (VCV003066201.2), dbSNP rs761350032, ClinGen allele CA9506040.